The following continues an entry in ClinVar:

NM_002016.2(FLG):c.1501C>T (p.Arg501Ter)

ClinVar aggregate classification (germline): Pathogenic/Likely pathogenic. Pathogenic (39); Likely pathogenic (3).

Submissions 26 to 39 of 54:

Illumina Laboratory Services, Illumina
Classification: Pathogenic for Ichthyosis vulgaris. Last evaluated: 2023-07-28. Review status: criteria provided, single submitter. Criteria: ICSLVariantClassificationCriteria RUGD 01 April 2020. Collection method: clinical testing. Allele origin: unknown.
Comment: The FLG c.1501C>T p.(Arg501Ter) nonsense variant occurs in the last exon of the gene and may escape nonsense-mediated mRNA decay. The p.Arg501Ter variant is the most common disease-causing variant observed in individuals with ichthyosis vulgaris (PMID 16444271; 16550169; 17030239; 16815158; 24920311; 27279822; 27363669; 31637781). Inheritance can be autosomal dominant or recessive, with autosomal recessive inheritance showing a more severe phenotype. The p.Arg501Ter variant has been shown to segregate with disease across multiple families (PMID 16444271; 16550169). The highest frequency of this allele in the Genome Aggregation Database is 0.01732 in the European (non-Finnish) population (version 3.1.2). This allele frequency among presumed unaffected individuals is high, but is consistent with the estimates of disease prevalence and penetrance. Functional studies conducted in patient cells demonstrated that this variant impacts protein function (PMID: 16444271). Based on the available evidence, the c.1501C>T p.(Arg501Ter) variant is classified as pathogenic for ichthyosis vulgaris.

Clinical Genetics Laboratory, Skane University Hospital Lund
Classification: Pathogenic. Last evaluated: 2023-06-14. Review status: criteria provided, single submitter. Criteria: ACMG Guidelines, 2015. Collection method: clinical testing. Allele origin: germline. Affected: yes.

Duke University Health System Sequencing Clinic, Duke University Health System
Classification: Pathogenic for Ichthyosis vulgaris. Last evaluated: 2023-04-20. Review status: criteria provided, single submitter. Criteria: ACMG Guidelines, 2015. Collection method: research. Allele origin: biparental. Affected: yes.

Genome-Nilou Lab
Classification: Likely pathogenic for Ichthyosis vulgaris. Last evaluated: 2023-04-11. Review status: criteria provided, single submitter. Criteria: ACMG Guidelines, 2015. Collection method: clinical testing. Allele origin: germline. Affected: no.

Laboratorio de Genetica e Diagnostico Molecular, Hospital Israelita Albert Einstein
Classification: Pathogenic for Dermatitis, atopic, 2. Last evaluated: 2022-09-27. Review status: criteria provided, single submitter. Criteria: ACMG Guidelines, 2015. Collection method: clinical testing. Allele origin: germline. Affected: yes. Observed: 1 variant allele.
Comment: ACMG classification criteria: PVS1 very strong, PS4 strong, PM3 strong, BS1 strong

CENTOGENE GmbH and LLC - Guiding Precision Medicine
Classification: Pathogenic for Ichthyosis vulgaris. Last evaluated: 2021-11-22. Review status: criteria provided, single submitter. Criteria: ACMG Guidelines, 2015. Collection method: clinical testing. Allele origin: maternal. Affected: yes.

Greenwood Genetic Center Diagnostic Laboratories, Greenwood Genetic Center
Classification: Pathogenic for Ichthyosis vulgaris. Last evaluated: 2021-10-21. Review status: criteria provided, single submitter. Criteria: ACMG Guidelines, 2015. Collection method: clinical testing. Allele origin: germline. Affected: yes.
Comment: PVS1, PS4, PM3

Fulgent Genetics
Classification: Pathogenic for Ichthyosis vulgaris; Dermatitis, atopic, 2. Last evaluated: 2021-08-25. Review status: criteria provided, single submitter. Criteria: ACMG Guidelines, 2015. Collection method: clinical testing. Allele origin: unknown.

Illumina Laboratory Services, Illumina
Classification: Pathogenic for FLG-related disorders. Last evaluated: 2020-08-05. Review status: criteria provided, single submitter. Criteria: ICSLVariantClassificationCriteria RUGD 01 April 2020. Collection method: clinical testing. Allele origin: unknown.
Comment: The FLG c.1501C>T (p.Arg501Ter) variant is a stop-gained variant that is predicted to result in a premature termination or absence of the protein. In one study, the p.Arg501Ter variant is reported to be the most common disease-causing variant in individuals with atopic dermatitis (GonzÃ¡lez-TarancÃ³n et al. 2020). Across a selection of available literature, the variant has been identified in a homozygous state in at least nine individuals, in a compound heterozygote state in at least 54 individuals, and in a heterozygous state in over 100 individuals, all affected with atopic dermatitis or ichthyosis vulgaris (Marenholz et al. 2006; Palmer et al. 2006; Smith et al. 2006; Weidinger et al. 2006; Polcari et al. 2014; Gimalova et al. 2016; WoÅºniak et al. 2016). All affected homozygotes or compound heterozygotes showed more severe presentations of ichthyosis vulgaris than individuals determined to be heterozygous for this variant. The p.Arg501Ter variant segregates in an autosomal recessive pattern across three generations in at least one family with ichthyosis vulgaris, and segregates in an autosomal dominant pattern with variable presentations of ichthyosis vulgaris and atopic dermatitis with expected reduced penetrance across three generations in at least two families (Palmer et al. 2006; Smith et al. 2006). The p.Arg501Ter variant was identified in ten of 732 control subjects in a heterozygous state (Marenholz et al. 2006; Polcari et al. 2014; Gimalova et al. 2016), and is reported at a frequency of 0.01638 in the European (non-Finnish) population of the Genome Aggregation Database. This allele frequency among presumed unaffected individuals is high, but is consistent with the disease prevalence and penetrance estimates. Odds ratios of 4.1 to 6.7 are described when comparing the frequency of this variant among affected vs. unaffected individuals (Marenholz et al. 2006; Weidinger et al. 2006). Smith et al. (2006), showed absence of a conserved filaggrin epitope while retaining epitopes in the N-terminal domain of profilaggrin through immunochemical studies of skin biopsies of both a homozygote and compound heterozygote with the p.Arg501Ter variant. Loss of filaggrin epitopes in cultured keratinocytes from a homozygote were also seen on protein blotting (Smith et al. 2006). Based on the potential impact of truncating variants and application of ACMG criteria, the p.Arg501Ter variant is classified as pathogenic for FLG-related disorders.

GeneDx
Classification: Pathogenic. Last evaluated: 2020-06-19. Review status: criteria provided, single submitter. Criteria: GeneDx Variant Classification Process June 2021. Collection method: clinical testing. Allele origin: germline. Affected: yes.
Comment: Reported as one of the most common pathogenic FLG variants observed in Caucasian individuals of North/West-European descent with ichthyosis vulgaris (Smith et al., 2006); Loss-of-function FLG variants are associated with increased risk for atopic dermatitis and asthma (Henderson et al., 2008; Komova et al., 2014; Muller et al., 2009; Gao et al., 2009); Nonsense variant predicted to result in protein truncation in a gene for which loss-of-function is a known mechanism of disease; Results in a functional null allele as no processed filaggrin can be biochemically detected in patients homozygous for this variant (Smith et al., 2006); This variant is associated with the following publications: (PMID: 29431110, 18412804, 24920311, 19839980, 20426775, 21777221, 23039796, 23343419, 23947670, 19501237, 21377035, 23993222, 21564328, 17657246, 25333069, 23352160, 20573035, 21365004, 22403702, 23166590, 19538357, 19733298, 25390410, 16444271, 27462351, 27363669, 24251354, 26451970, 27279822, 18325573, 29444371, 29791750, 29428354, 28213896, 29068602, 28730607, 29054605, 28164424, 31427378, 31365035, 30739909, 25747786, 32603359, 32371413, 33326653, 17164798, 33144682, 33258288)

Knight Diagnostic Laboratories, Oregon Health and Sciences University
Classification: Pathogenic for Eczematoid dermatitis. Last evaluated: 2019-08-27. Review status: criteria provided, single submitter. Criteria: ACMG Guidelines, 2015. Collection method: clinical testing. Allele origin: germline. Observed: 1 variant allele.

Mendelics
Classification: Likely pathogenic for Ichthyosis vulgaris. Last evaluated: 2019-05-28. Review status: criteria provided, single submitter. Criteria: Mendelics Assertion Criteria 2017. Collection method: clinical testing. Allele origin: unknown.

Undiagnosed Diseases Network, NIH
Classification: Pathogenic for Atopic dermatitis; ichthyosis vulgaris. Last evaluated: 2018-10-22. Review status: criteria provided, single submitter. Criteria: ACMG Guidelines, 2015. Collection method: clinical testing. Allele origin: unknown. Inheritance: Other. Affected: yes. Observed: 1 variant allele, 1 heterozygote.
Comment: The R501X nonsense variant has been reported previously as one of the most common pathogenic FLG variants observed in Caucasian individuals of North/West-European descent with ichthyosis vulgaris (Smith et al., 2006). It is also associated with increased risk for atopic dermatitis and asthma (Henderson et al., 2008; Komova et al., 2014; Muller et al., 2009; Gao et al., 2009).

Laboratory for Molecular Medicine, Mass General Brigham Personalized Medicine
Classification: Pathogenic for Ichthyosis vulgaris. Last evaluated: 2018-02-06. Review status: criteria provided, single submitter. Criteria: LMM Criteria. Collection method: clinical testing. Allele origin: germline. Inheritance: Autosomal dominant inheritance. Observed: 1 variant allele.
Comment: The p.Arg501X variant in FLG is a well-established pathogenic variant associated with ichthyosis vulgaris (Smith 2006, Rodriguez 2009, Gruber 2011). This varian t has been identified in 0.9% (2595/276976) of total chromosomes, including 19 h omozygotes, by the Genome Aggregation Database (gnomAD; dbSNP rs61816761), which is consistent with the reported incidence of ichthyosis vulgaris and the incomplete penetrance in heterozygotes. This nonsens e variant leads to a premature termination codon at position 501, resulting in a n absence of protein as demonstrated by studies in homozygotes and compound hete rozygotes that carried another nonsense variant (Smith 2006, Gruber 2011). Haplo insufficiency of FLG is an established disease mechanism for ichthyosis vulgaris , while biallelic loss of function is associated with a severe phenotype similar to classic lamellar ichthyosis (Smith 2006). In addition, the p.Arg501X and oth er loss-of-function variants in FLG have been associated with increased risk for eczema (OR 2.5-3.7; Henderson 2008, Rodriguez 2009, Schuttelaar 2009, Ziyab 201 2). In summary, the p.Arg501X variant meets criteria to be classified as pathoge nic for ichthyosis vulgaris in an autosomal dominant manner with reduced penetra nce. ACMG/AMP criteria applied: PVS1; PS4; PP1_Strong.